The following is an entry in ClinVar:

ClinVar aggregate classification (germline): Uncertain significance (1 of 4 stars; one submission).

Conditions:
Nephronophthisis. Also called: Juvenile Nephronophthisis. Identifiers: Orphanet 655, MedGen C0687120, MONDO:0019005, HP:0000090.

gnomAD v4.1: 2 of 1,613,596 alleles (0.00012%); highest among the groups gnomAD compares: East Asian, 0.0022%; no homozygotes.

Submission:

Labcorp Genetics (formerly Invitae), Labcorp
Classification: Uncertain significance for Nephronophthisis. Last evaluated: 2021-08-26. Review status: criteria provided, single submitter. Criteria: Invitae Variant Classification Sherloc (09022015). Collection method: clinical testing. Allele origin: germline.
Comment: This sequence change replaces alanine with serine at codon 159 of the NPHP1 protein (p.Ala159Ser). The alanine residue is highly conserved and there is a moderate physicochemical difference between alanine and serine. This variant is not present in population databases (ExAC no frequency). This variant has not been reported in the literature in individuals affected with NPHP1-related conditions. Algorithms developed to predict the effect of missense changes on protein structure and function are either unavailable or do not agree on the potential impact of this missense change (SIFT: "Deleterious"; PolyPhen-2: "Probably Damaging"; Align-GVGD: "Class C0"). In summary, the available evidence is currently insufficient to determine the role of this variant in disease. Therefore, it has been classified as a Variant of Uncertain Significance.

NM_001128178.3(NPHP1):c.475G>T (p.Ala159Ser)

Gene: NPHP1 (nephrocystin 1; minus strand). Cytogenetic location: 2q13.
Variant type: single nucleotide variant.
Coding change: c.475G>T on transcript NM_001128178.3 (MANE Select); coding-DNA position 475, G replaced by T.
Protein change: p.Ala159Ser; replaces alanine 159 with serine.
Molecular consequence: missense variant.
Genome position (GRCh38, 1-based): chr2:110,169,853, C>A on the plus strand (G>T on the coding strand, the complement: NPHP1 is on the minus strand). VCF-style: chr2-110169853-C-A. GRCh37 (hg19) VCF-style: chr2-110927430-C-A.
Other names: c.475G>T, p.Ala159Ser (NM_000272.5, NM_001374256.1, NM_001374257.1 and 1 more transcripts); c.289G>T, p.Ala97Ser (NM_001128179.3); short protein forms A159S, A97S.
Identifiers: ClinVar variation 1006754 (VCV001006754.6), dbSNP rs372855293, ClinGen allele CA348092877.